The following is an entry in ClinVar:

ClinVar aggregate classification (germline): Uncertain significance. Review status: criteria provided, multiple submitters, no conflicts (2 of 4 stars). 6 submissions from 5 submitters: Uncertain significance (5). 1 of the submissions does not count toward it. Last evaluated 2024-06-05.

Conditions:
Usher syndrome type 2A. Also called: RETINAL DISEASE IN USHER SYNDROME TYPE IIA, MODIFIER OF; USHER SYNDROME, TYPE IIA. Identifiers: Orphanet 231178, Orphanet 886, MedGen C1848634, MONDO:0010169, OMIM 276901.
Inborn genetic diseases. Identifiers: MedGen C0950123, MeSH D030342.
Retinitis pigmentosa 39 (RP39). Identifiers: Orphanet 791, MedGen C3151138, MONDO:0013436, OMIM 613809.

Allele frequency attached by ClinVar (database versions not stated): gnomAD exomes below 0.00001; gnomAD 0.00003; TOPMed 0.00003; ESP Exome Variant Server 0.00008.
gnomAD v4.1: 7 of 1,613,902 alleles (0.00043%); highest among the groups gnomAD compares: Non-Finnish European, 0.00051%; no homozygotes.

Submissions (6):

Ambry Genetics
Classification: Uncertain significance for Inborn genetic diseases. Last evaluated: 2024-06-05. Review status: criteria provided, single submitter. Criteria: Ambry Variant Classification Scheme 2023. Collection method: clinical testing. Allele origin: germline.

Genome-Nilou Lab
Classification: Uncertain significance for Retinitis pigmentosa 39. Last evaluated: 2023-11-04. Review status: criteria provided, single submitter. Criteria: ACMG Guidelines, 2015. Collection method: clinical testing. Allele origin: germline. Affected: no.

Genome-Nilou Lab
Classification: Uncertain significance for Usher syndrome type 2A. Last evaluated: 2023-11-04. Review status: criteria provided, single submitter. Criteria: ACMG Guidelines, 2015. Collection method: clinical testing. Allele origin: germline. Affected: no.

Labcorp Genetics (formerly Invitae), Labcorp
Classification: Uncertain significance. Last evaluated: 2021-08-20. Review status: criteria provided, single submitter. Criteria: Invitae Variant Classification Sherloc (09022015). Collection method: clinical testing. Allele origin: germline.
Comment: This sequence change replaces threonine with arginine at codon 3453 of the USH2A protein (p.Thr3453Arg). The threonine residue is highly conserved and there is a moderate physicochemical difference between threonine and arginine. This variant is not present in population databases (ExAC no frequency). This variant has not been reported in the literature in individuals affected with USH2A-related conditions. ClinVar contains an entry for this variant (Variation ID: 805742). Algorithms developed to predict the effect of missense changes on protein structure and function are either unavailable or do not agree on the potential impact of this missense change (SIFT: "Deleterious"; PolyPhen-2: "Benign"; Align-GVGD: "Class C15"). In summary, the available evidence is currently insufficient to determine the role of this variant in disease. Therefore, it has been classified as a Variant of Uncertain Significance.

Athena Diagnostics
Classification: Uncertain significance. Last evaluated: 2019-03-13. Review status: criteria provided, single submitter. Criteria: Athena Diagnostics Criteria. Collection method: clinical testing. Allele origin: germline.

Natera, Inc.
Classification: Uncertain significance for Usher syndrome type 2A. Last evaluated: 2020-08-25. Review status: no assertion criteria provided. Collection method: clinical testing. Allele origin: germline. Not counted in ClinVar's aggregate classification.

NM_206933.4(USH2A):c.10358C>G (p.Thr3453Arg)

Gene: USH2A (usherin; minus strand). Cytogenetic location: 1q41.
Variant type: single nucleotide variant.
Coding change: c.10358C>G on transcript NM_206933.4 (MANE Select); coding-DNA position 10358, C replaced by G.
Protein change: p.Thr3453Arg; replaces threonine 3453 with arginine.
Molecular consequence: missense variant.
Genome position (GRCh38, 1-based): chr1:215,786,699, G>C on the plus strand (C>G on the coding strand, the complement: USH2A is on the minus strand). VCF-style: chr1-215786699-G-C. GRCh37 (hg19) VCF-style: chr1-215960041-G-C.
Other names: short protein forms T3453R.
Identifiers: ClinVar variation 805742 (VCV000805742.8), dbSNP rs375485721, ClinGen allele CA37440810.